The following is an entry in ClinVar:

ClinVar aggregate classification (germline): Likely benign. Review status: criteria provided, multiple submitters, no conflicts (2 of 4 stars). 3 submissions from 3 submitters: Likely benign (3). Last evaluated 2025-11-25.

Conditions:
Cardiomyopathy (CMYO). Also called: Cardiomyopathies. Identifiers: Orphanet 167848, MedGen C0878544, MONDO:0004994, HP:0001638. Inheritance: Various modes of inheritance.
Lethal congenital glycogen storage disease of heart. Also called: GLYCOGEN STORAGE DISEASE OF HEART; PHOSPHORYLASE KINASE DEFICIENCY OF HEART. Identifiers: Orphanet 439854, MedGen C1849813, MONDO:0009867, OMIM 261740.
Hypertrophic cardiomyopathy. Also called: HYPERTROPHIC MYOCARDIOPATHY. Identifiers: Orphanet 217569, MedGen C0007194, MeSH D002312, MONDO:0005045, HP:0001639.

Allele frequency attached by ClinVar (database versions not stated): gnomAD exomes below 0.00001 and 0.00001.
gnomAD v4.1: 7 of 1,614,066 alleles (0.00043%); highest among the groups gnomAD compares: Non-Finnish European, 0.00059%; no homozygotes.

Submissions (3):

Labcorp Genetics (formerly Invitae), Labcorp
Classification: Likely benign for Lethal congenital glycogen storage disease of heart. Last evaluated: 2025-11-25. Review status: criteria provided, single submitter. Criteria: Invitae Variant Classification Sherloc (09022015). Collection method: clinical testing. Allele origin: germline.

All of Us Research Program, National Institutes of Health
Classification: Likely benign for Hypertrophic cardiomyopathy. Last evaluated: 2024-09-25. Review status: criteria provided, single submitter. Criteria: ACMG Guidelines, 2015. Collection method: clinical testing. Allele origin: germline. Inheritance: Autosomal dominant inheritance. Observed: 1 variant allele, 1 heterozygote.
Comment: This study involves interpretation of variants in research participants for the purpose of population health screening. Participant phenotype was not available at the time of variant classification. Additional details can be found in publication PMID: 35346344, PMCID: PMC8962531

Color Diagnostics, LLC DBA Color Health
Classification: Likely benign for Cardiomyopathy. Last evaluated: 2021-02-16. Review status: criteria provided, single submitter. Criteria: ACMG Guidelines, 2015. Collection method: clinical testing. Allele origin: germline.

NM_016203.4(PRKAG2):c.435G>C (p.Gly145=)

Gene: PRKAG2 (protein kinase AMP-activated non-catalytic subunit gamma 2; minus strand). Cytogenetic location: 7q36.1.
Variant type: single nucleotide variant.
Coding change: c.435G>C on transcript NM_016203.4 (MANE Select); coding-DNA position 435, G replaced by C.
Protein change: p.Gly145=; no amino-acid change (glycine 145 retained).
Molecular consequence: synonymous variant.
Genome position (GRCh38, 1-based): chr7:151,781,183, C>G on the plus strand (G>C on the coding strand, the complement: PRKAG2 is on the minus strand). VCF-style: chr7-151781183-C-G. GRCh37 (hg19) VCF-style: chr7-151478269-C-G.
Other names: c.303G>C, p.Gly101= (NM_001040633.2).
Identifiers: ClinVar variation 798103 (VCV000798103.13), dbSNP rs1432408242, ClinGen allele CA458884085.
Genomic context (GRCh38, chr7:151,781,183, plus strand): 5'-CACCTGAAACAATAGCATCAAGGTCTTACTTTTTCTGGAGCGGGAGAAAAACCTGATGCC[C>G]CCGGGCGAGGTAGCAGGGTTGGAGTTGGGGGAAGACTCTTTGGAGGAGGAGCGGAAGATC-3'
Protein context (NP_057287.2, residues 135-155): SPNSNPATSP[Gly145=]GIRFFSRSRK